The following is an entry in ClinVar:

ClinVar aggregate classification (germline): Uncertain significance (1 of 4 stars; one submission).

Conditions:
Brugada syndrome. Also called: Sudden unexpected nocturnal death syndrome; Sudden unexplained nocturnal death syndrome; Sudden Unexplained Death Syndrome; Sudden Unexplained Nocturnal Death Syndrome (SUNDS). Identifiers: Orphanet 130, MedGen C1142166, MONDO:0015263.

Submission:

Labcorp Genetics (formerly Invitae), Labcorp
Classification: Uncertain significance for Brugada syndrome. Last evaluated: 2024-10-03. Review status: criteria provided, single submitter. Criteria: Invitae Variant Classification Sherloc (09022015). Collection method: clinical testing. Allele origin: germline.
Comment: This sequence change replaces phenylalanine, which is neutral and non-polar, with valine, which is neutral and non-polar, at codon 1366 of the SCN10A protein (p.Phe1366Val). This variant is not present in population databases (gnomAD no frequency). This variant has not been reported in the literature in individuals affected with SCN10A-related conditions. Invitae Evidence Modeling of protein sequence and biophysical properties (such as structural, functional, and spatial information, amino acid conservation, physicochemical variation, residue mobility, and thermodynamic stability) indicates that this missense variant is expected to disrupt SCN10A protein function with a positive predictive value of 80%. In summary, the available evidence is currently insufficient to determine the role of this variant in disease. Therefore, it has been classified as a Variant of Uncertain Significance.

NM_006514.4(SCN10A):c.4096T>G (p.Phe1366Val)

Gene: SCN10A (sodium voltage-gated channel alpha subunit 10; minus strand). Cytogenetic location: 3p22.2.
Variant type: single nucleotide variant.
Coding change: c.4096T>G on transcript NM_006514.4 (MANE Select); coding-DNA position 4096, T replaced by G.
Protein change: p.Phe1366Val; replaces phenylalanine 1366 with valine.
Molecular consequence: missense variant.
Genome position (GRCh38, 1-based): chr3:38,710,891, A>C on the plus strand (T>G on the coding strand, the complement: SCN10A is on the minus strand). VCF-style: chr3-38710891-A-C. GRCh37 (hg19) VCF-style: chr3-38752382-A-C.
Other names: c.4093T>G, p.Phe1365Val (NM_001293306.2); c.3802T>G, p.Phe1268Val (NM_001293307.2); short protein forms F1366V, F1268V, F1365V.
Identifiers: ClinVar variation 3660971 (VCV003660971.2).